The following is an entry in ClinVar:

NC_000002.11:g.(?_228566865)_(228567034_?)del

Gene: SLC19A3 (solute carrier family 19 member 3; minus strand). Cytogenetic location: 2q36.3.
Variant type: Deletion.
Identifiers: ClinVar variation 3247243 (VCV003247243.1).

ClinVar aggregate classification (germline): Pathogenic (1 of 4 stars; one submission).

Conditions:
Biotin-responsive basal ganglia disease (BTBGD). Also called: Thiamine Transporter-2 Deficiency; Thiamine metabolism dysfunction syndrome 2 (biotin- or thiamine-responsive encephalopathy type 2); thiamine-responsive encephalopathy; Thiamine metabolism dysfunction syndrome type 2; THIAMINE METABOLISM DYSFUNCTION SYNDROME 2 (BIOTIN- AND THIAMINE-RESPONSIVE TYPE). Identifiers: Orphanet 199348, Orphanet 65284, MedGen C1843807, MONDO:0011841, OMIM 607483.

Submission:

Labcorp Genetics (formerly Invitae), Labcorp
Classification: Pathogenic for Biotin-responsive basal ganglia disease. Last evaluated: 2023-06-24. Review status: criteria provided, single submitter. Criteria: Invitae Variant Classification Sherloc (09022015). Collection method: clinical testing. Allele origin: unknown.
Comment: For these reasons, this variant has been classified as Pathogenic. This variant has not been reported in the literature in individuals affected with SLC19A3-related conditions. This variant is a complex event involving exon(s) 2 of the SLC19A3 gene. Although the exact nature of the event is unknown, it likely involves deletion of exon 2. This complex variant is expected to result in an absent or disrupted protein product.